The following is an entry in ClinVar:

NM_001032382.2(PQBP1):c.-19+173_-19+174delinsAT

Genes: PQBP1 (polyglutamine binding protein 1; plus strand), LOC130068255 (ATAC-STARR-seq lymphoblastoid active region 29616; plus strand). Cytogenetic location: Xp11.23.
Variant type: Indel.
Coding change: c.-19+173_-19+174delinsAT on transcript NM_001032382.2 (MANE Select); bases 173 to 174 of the intron after 19 bases upstream of the start codon, GA replaced by AT.
Molecular consequence: intron variant.
Genome position (GRCh38, 1-based): chrX:48,898,255-48,898,256, GA replaced by AT. VCF-style: chrX-48898255-GA-AT. GRCh37 (hg19) VCF-style: chrX-48755538-GA-AT.
Other names: c.-19+162_-19+163delinsAT (NM_001032383.2); c.-19+173_-19+174delinsAT (NM_144495.3); c.-18-237_-18-236delinsAT (NM_001032381.2, NM_001167989.2, NM_001437502.1 and 1 more transcripts).
Identifiers: ClinVar variation 5037549 (VCV005037549.1).

ClinVar aggregate classification (germline): Uncertain significance (1 of 4 stars; one submission).

Submission:

GeneDx
Classification: Uncertain significance. Last evaluated: 2026-04-22. Review status: criteria provided, single submitter. Criteria: GeneDx Variant Classification Process June 2021. Collection method: clinical testing. Allele origin: germline.
Comment: Located in a regulatory region; in the absence of functional studies, the actual effect of this sequence change is unknown; Nucleotide is not conserved across species and the substitution has no predicted effect on splicing; Has not been previously published as pathogenic or benign to our knowledge